The following is an entry in ClinVar:

NM_172362.3(KCNH1):c.2408C>T (p.Ala803Val)

Gene: KCNH1 (potassium voltage-gated channel subfamily H member 1; minus strand). Cytogenetic location: 1q32.2.
Variant type: single nucleotide variant.
Coding change: c.2408C>T on transcript NM_172362.3 (MANE Select); coding-DNA position 2408, C replaced by T.
Protein change: p.Ala803Val; replaces alanine 803 with valine.
Molecular consequence: missense variant.
Genome position (GRCh38, 1-based): chr1:210,683,843, G>A on the plus strand (C>T on the coding strand, the complement: KCNH1 is on the minus strand). VCF-style: chr1-210683843-G-A. GRCh37 (hg19) VCF-style: chr1-210857185-G-A.
Other names: c.2327C>T, p.Ala776Val (NM_002238.4); short protein forms A776V, A803V.
Identifiers: ClinVar variation 2148492 (VCV002148492.4), dbSNP rs755800500, ClinGen allele CA344871239.
Genomic context (GRCh38, chr1:210,683,843, plus strand): 5'-CCCAGGCACTCGGACCCTGGCGCCTGTAGCTTTGCGTGGTCTGGCACCCCGGAGGTGGAG[G>A]CTGCCTGGAAGGATACGGGCGTGGCAGGACTCTCACGCACGGTGACCACGCTGGCCTTCA-3'
Protein context (NP_758872.1, residues 793-813): SPATPVSFQA[Ala803Val]STSGVPDHAK

ClinVar aggregate classification (germline): Uncertain significance (1 of 4 stars; one submission).

gnomAD v4.1: 1 of 1,614,038 alleles (0.000062%); highest among the groups gnomAD compares: Admixed American, 0.0017%; no homozygotes.

Submission:

Labcorp Genetics (formerly Invitae), Labcorp
Classification: Uncertain significance. Last evaluated: 2025-12-27. Review status: criteria provided, single submitter. Criteria: Invitae Variant Classification Sherloc (09022015). Collection method: clinical testing. Allele origin: germline.
Comment: This sequence change replaces alanine, which is neutral and non-polar, with valine, which is neutral and non-polar, at codon 803 of the KCNH1 protein (p.Ala803Val). This variant is present in population databases (no rsID available, gnomAD 0.003%). This variant has not been reported in the literature in individuals affected with KCNH1-related conditions. ClinVar contains an entry for this variant (Variation ID: 2148492). Invitae Evidence Modeling of protein sequence and biophysical properties (such as structural, functional, and spatial information, amino acid conservation, physicochemical variation, residue mobility, and thermodynamic stability) has been performed for this missense variant. However, the output from this modeling did not meet the statistical confidence thresholds required to predict the impact of this variant on KCNH1 protein function. In summary, the available evidence is currently insufficient to determine the role of this variant in disease. Therefore, it has been classified as a Variant of Uncertain Significance.